The following is an entry in ClinVar:

NM_015419.4(MXRA5):c.6276G>T (p.Ser2092=)

Gene: MXRA5 (matrix remodeling associated 5; minus strand). Cytogenetic location: Xp22.33.
Variant type: single nucleotide variant.
Coding change: c.6276G>T on transcript NM_015419.4 (MANE Select); coding-DNA position 6276, G replaced by T.
Protein change: p.Ser2092=; no amino-acid change (serine 2092 retained).
Molecular consequence: synonymous variant.
Genome position (GRCh38, 1-based): chrX:3,317,405, C>A on the plus strand (G>T on the coding strand, the complement: MXRA5 is on the minus strand). VCF-style: chrX-3317405-C-A. GRCh37 (hg19) VCF-style: chrX-3235446-C-A.
Identifiers: ClinVar variation 2659879 (VCV002659879.24), dbSNP rs1452456624, ClinGen allele CA515398697.

ClinVar aggregate classification (germline): Likely benign (1 of 4 stars; one submission).

Allele frequency attached by ClinVar (database versions not stated): gnomAD exomes 0.00001.
gnomAD v4.1: 4 of 1,205,483 alleles (0.00033%); highest among the groups gnomAD compares: Non-Finnish European, 0.00034%; no homozygotes.

Submission:

CeGaT Center for Human Genetics Tuebingen
Classification: Likely benign. Last evaluated: 2022-03-01. Review status: criteria provided, single submitter. Criteria: CeGaT Center For Human Genetics Tuebingen Variant Classification Criteria Version 2. Collection method: clinical testing. Allele origin: germline. Affected: yes. Observed: 1 variant allele.
Comment: MXRA5: BP4, BP7